The following is an entry in ClinVar:

NM_024649.5(BBS1):c.374G>A (p.Ser125Asn)

Gene: BBS1 (Bardet-Biedl syndrome 1; plus strand). Cytogenetic location: 11q13.2.
Variant type: single nucleotide variant.
Coding change: c.374G>A on transcript NM_024649.5 (MANE Select); coding-DNA position 374, G replaced by A.
Protein change: p.Ser125Asn; replaces serine 125 with asparagine.
Molecular consequence: missense variant.
Genome position (GRCh38, 1-based): chr11:66,514,620, G>A. VCF-style: chr11-66514620-G-A. GRCh37 (hg19) VCF-style: chr11-66282091-G-A.
Other names: short protein forms S125N.
Identifiers: ClinVar variation 2140006 (VCV002140006.1), dbSNP rs747317319, ClinGen allele CA6123315.

ClinVar aggregate classification (germline): Uncertain significance (1 of 4 stars; one submission).

Conditions:
Bardet-Biedl syndrome (BBS). Identifiers: Orphanet 110, MedGen C0752166, MONDO:0015229.

gnomAD v4.1: 5 of 1,613,658 alleles (0.00031%); highest among the groups gnomAD compares: Admixed American, 0.005%; no homozygotes.

Submission:

Labcorp Genetics (formerly Invitae), Labcorp
Classification: Uncertain significance for Bardet-Biedl syndrome. Last evaluated: 2021-09-07. Review status: criteria provided, single submitter. Criteria: Invitae Variant Classification Sherloc (09022015). Collection method: clinical testing. Allele origin: germline.
Comment: This sequence change replaces serine with asparagine at codon 125 of the BBS1 protein (p.Ser125Asn). The serine residue is weakly conserved and there is a small physicochemical difference between serine and asparagine. This variant is present in population databases (rs747317319, ExAC 0.009%). This variant has not been reported in the literature in individuals affected with BBS1-related conditions. Algorithms developed to predict the effect of missense changes on protein structure and function are either unavailable or do not agree on the potential impact of this missense change (SIFT: "Deleterious"; PolyPhen-2: "Benign"; Align-GVGD: "Class C0"). In summary, the available evidence is currently insufficient to determine the role of this variant in disease. Therefore, it has been classified as a Variant of Uncertain Significance.